The following is an entry in ClinVar:

ClinVar aggregate classification (germline): Uncertain significance (1 of 4 stars; one submission).

Submission:

Ambry Genetics
Classification: Uncertain significance. Last evaluated: 2024-10-04. Review status: criteria provided, single submitter. Criteria: Ambry Variant Classification Scheme 2023. Collection method: clinical testing. Allele origin: germline.
Comment: The p.R72S variant (also known as c.214C>A), located in coding exon 1 of the MLH3 gene, results from a C to A substitution at nucleotide position 214. The arginine at codon 72 is replaced by serine, an amino acid with dissimilar properties. This amino acid position is conserved. In addition, this alteration is predicted to be deleterious by in silico analysis. Based on the available evidence, the clinical significance of this variant remains unclear.

NM_001040108.2(MLH3):c.214C>A (p.Arg72Ser)

Gene: MLH3 (mutL homolog 3; minus strand). Cytogenetic location: 14q24.3.
Variant type: single nucleotide variant.
Coding change: c.214C>A on transcript NM_001040108.2 (MANE Select); coding-DNA position 214, C replaced by A.
Protein change: p.Arg72Ser; replaces arginine 72 with serine.
Molecular consequence: missense variant.
Genome position (GRCh38, 1-based): chr14:75,049,442, G>T on the plus strand (C>A on the coding strand, the complement: MLH3 is on the minus strand). VCF-style: chr14-75049442-G-T. GRCh37 (hg19) VCF-style: chr14-75516145-G-T.
Other names: c.214C>A, p.Arg72Ser (NM_014381.3); short protein forms R72S.
Identifiers: ClinVar variation 3396737 (VCV003396737.1).
Genomic context (GRCh38, chr14:75,049,442, plus strand): 5'-AACCATAAAACCTTGGATTCTCCAAGTCCTGTACCGAGTGGCATTTACTGGTGAAATAAC[G>T]ATTTCCCACTTTCTCTACATCATCACTCCCCATCCCAAATCCATTGTCTATCACTTGAAC-3'
Protein context (NP_001035197.1, residues 62-82): GSDDVEKVGN[Arg72Ser]YFTSKCHSVQ